The following is an entry in ClinVar:

ClinVar aggregate classification (germline): Uncertain significance (1 of 4 stars; one submission).

Conditions:
Familial hypocalciuric hypercalcemia (FHH). Also called: Familial benign hypercalcemia. Identifiers: Orphanet 405, MedGen C1809471, MONDO:0018458.
Autosomal dominant hypocalcemia 1 (HYPOC1). Also called: HYPOCALCEMIA, FAMILIAL. Identifiers: MedGen C3715128, MONDO:0011013, OMIM 601198.

Submission:

Labcorp Genetics (formerly Invitae), Labcorp
Classification: Uncertain significance for Familial hypocalciuric hypercalcemia; Autosomal dominant hypocalcemia 1. Last evaluated: 2021-11-15. Review status: criteria provided, single submitter. Criteria: Invitae Variant Classification Sherloc (09022015). Collection method: clinical testing. Allele origin: germline.
Comment: In summary, the available evidence is currently insufficient to determine the role of this variant in disease. Therefore, it has been classified as a Variant of Uncertain Significance. Algorithms developed to predict the effect of missense changes on protein structure and function (SIFT, PolyPhen-2, Align-GVGD) all suggest that this variant is likely to be disruptive. This variant has not been reported in the literature in individuals affected with CASR-related conditions. This variant is not present in population databases (gnomAD no frequency). This sequence change replaces asparagine, which is neutral and polar, with isoleucine, which is neutral and non-polar, at codon 488 of the CASR protein (p.Asn488Ile).

NM_000388.4(CASR):c.1463A>T (p.Asn488Ile)

Gene: CASR (calcium sensing receptor; plus strand). Cytogenetic location: 3q21.1.
Variant type: single nucleotide variant.
Coding change: c.1463A>T on transcript NM_000388.4 (MANE Select); coding-DNA position 1463, A replaced by T.
Protein change: p.Asn488Ile; replaces asparagine 488 with isoleucine.
Molecular consequence: missense variant.
Genome position (GRCh38, 1-based): chr3:122,275,897, A>T. VCF-style: chr3-122275897-A-T. GRCh37 (hg19) VCF-style: chr3-121994744-A-T.
Other names: c.1463A>T, p.Asn488Ile (NM_001178065.2); short protein forms N488I.
Identifiers: ClinVar variation 1393469 (VCV001393469.6), dbSNP rs146739893, ClinGen allele CA354155131.
Genomic context (GRCh38, chr3:122,275,897, plus strand): 5'-ACTTTACAAACAATATGGGGGAGCAGGTGACCTTTGATGAGTGTGGTGACCTGGTGGGGA[A>T]CTATTCCATCATCAACTGGCACCTCTCCCCAGAGGATGGCTCCATCGTGTTTAAGGAAGT-3'
Protein context (NP_000379.3, residues 478-498): TFDECGDLVG[Asn488Ile]YSIINWHLSP